The following is an entry in ClinVar:

NC_000017.11:g.(?_1613195)_(1681690_?)dup

Genes: PRPF8 (pre-mRNA processing factor 8; minus strand), RILP (Rab interacting lysosomal protein; minus strand), SCARF1 (scavenger receptor class F member 1; minus strand), SLC43A2 (solute carrier family 43 member 2; minus strand). Cytogenetic location: 17p13.3.
Variant type: Duplication.
Identifiers: ClinVar variation 832985 (VCV000832985.2).

ClinVar aggregate classification (germline): Uncertain significance (1 of 4 stars; one submission).

Submission:

Labcorp Genetics (formerly Invitae), Labcorp
Classification: Uncertain significance. Last evaluated: 2019-09-11. Review status: criteria provided, single submitter. Criteria: Invitae Variant Classification Sherloc (09022015). Collection method: clinical testing. Allele origin: germline.
Comment: This variant results in a copy number gain of the genomic region encompassing exons 6-43 of the PRPF8 gene. The 5' boundary is likely confined to intron 5. The 3' end of this event is unknown as it extends beyond the assayed region for this gene and therefore may encompass additional genes. As the precise location of this event is unknown, it may be in tandem or it may be located elsewhere in the genome. This variant has not been reported in the literature in individuals with PRPF8-related conditions. In summary, the available evidence is currently insufficient to determine the role of this variant in disease. Therefore, it has been classified as a Variant of Uncertain Significance.